The following is an entry in ClinVar:

ClinVar aggregate classification (germline): Uncertain significance (1 of 4 stars; one submission).

Allele frequency attached by ClinVar (database versions not stated): TOPMed below 0.00001; gnomAD 0.00001; gnomAD exomes 0.00001; ESP Exome Variant Server 0.00008.
gnomAD v4.1: 21 of 1,613,816 alleles (0.0013%); highest among the groups gnomAD compares: Non-Finnish European, 0.0017%; no homozygotes.

Submission:

Labcorp Genetics (formerly Invitae), Labcorp
Classification: Uncertain significance. Last evaluated: 2021-08-05. Review status: criteria provided, single submitter. Criteria: Invitae Variant Classification Sherloc (09022015). Collection method: clinical testing. Allele origin: germline.
Comment: This variant has not been reported in the literature in individuals affected with DYM-related conditions. In summary, the available evidence is currently insufficient to determine the role of this variant in disease. Therefore, it has been classified as a Variant of Uncertain Significance. Algorithms developed to predict the effect of sequence changes on RNA splicing suggest that this variant may create or strengthen a splice site. Algorithms developed to predict the effect of missense changes on protein structure and function are either unavailable or do not agree on the potential impact of this missense change (SIFT: "Tolerated"; PolyPhen-2: "Probably Damaging"; Align-GVGD: "Class C0"). This variant is not present in population databases (ExAC no frequency). This sequence change replaces histidine with arginine at codon 478 of the DYM protein (p.His478Arg). The histidine residue is highly conserved and there is a small physicochemical difference between histidine and arginine.

NM_001353214.3(DYM):c.1433A>G (p.His478Arg)

Gene: DYM (dymeclin; minus strand). Cytogenetic location: 18q21.1.
Variant type: single nucleotide variant.
Coding change: c.1433A>G on transcript NM_001353214.3 (MANE Select); coding-DNA position 1433, A replaced by G.
Protein change: p.His478Arg; replaces histidine 478 with arginine.
Molecular consequence: missense variant.
Genome position (GRCh38, 1-based): chr18:49,257,037, T>C on the plus strand (A>G on the coding strand, the complement: DYM is on the minus strand). VCF-style: chr18-49257037-T-C. GRCh37 (hg19) VCF-style: chr18-46783407-T-C.
Other names: c.1433A>G, p.His478Arg (NM_001374434.1, NM_001353215.3, NM_001353216.3 and 5 more transcripts); c.1430A>G, p.His477Arg (NM_001374435.1, NM_001374438.1, NM_001353210.3 and 3 more transcripts); c.1307A>G, p.His436Arg (NM_001374436.1, NM_001374432.1); c.1250A>G, p.His417Arg (NM_001374437.1); c.1427A>G, p.His476Arg (NM_001374439.1, NM_001374429.1); c.1205A>G, p.His402Arg (NM_001374440.1); c.863A>G, p.His288Arg (NM_001374441.1, NM_001374442.1, NM_001374444.1); c.860A>G, p.His287Arg (NM_001374443.1); short protein forms H288R, H417R, H436R, H477R, H478R, H287R, H402R, H476R.
Identifiers: ClinVar variation 1372699 (VCV001372699.6), dbSNP rs376581531, ClinGen allele CA300376753.